The following is an entry in ClinVar:

ClinVar aggregate classification (germline): Uncertain significance. Review status: criteria provided, multiple submitters, no conflicts (2 of 4 stars). 3 submissions from 3 submitters: Uncertain significance (3). Last evaluated 2025-08-09.

Conditions:
Familial adenomatous polyposis 1 (FAP1). Also called: FAMILIAL ADENOMATOUS POLYPOSIS 1, ATTENUATED; POLYPOSIS, ADENOMATOUS INTESTINAL. Identifiers: MedGen C2713442, MONDO:0021056, OMIM 175100. Disease mechanism: loss of function.
Hereditary cancer-predisposing syndrome. Also called: Tumor predisposition; Neoplastic Syndromes, Hereditary; Hereditary neoplastic syndrome; Hereditary Cancer Syndrome. Identifiers: Orphanet 140162, MedGen C0027672, MeSH D009386, MONDO:0015356.

Submissions (3):

Labcorp Genetics (formerly Invitae), Labcorp
Classification: Uncertain significance for Familial adenomatous polyposis 1. Last evaluated: 2025-08-09. Review status: criteria provided, single submitter. Criteria: Invitae Variant Classification Sherloc (09022015). Collection method: clinical testing. Allele origin: germline.
Comment: This variant, c.7609_7611del, results in the deletion of 1 amino acid(s) of the APC protein (p.Ser2537del), but otherwise preserves the integrity of the reading frame. This variant is present in population databases (rs773014860, gnomAD 0.0009%). This variant has not been reported in the literature in individuals affected with APC-related conditions. ClinVar contains an entry for this variant (Variation ID: 848383). Experimental studies and prediction algorithms are not available or were not evaluated, and the functional significance of this variant is currently unknown. In summary, the available evidence is currently insufficient to determine the role of this variant in disease. Therefore, it has been classified as a Variant of Uncertain Significance.

Ambry Genetics
Classification: Uncertain significance for Hereditary cancer-predisposing syndrome. Last evaluated: 2023-11-30. Review status: criteria provided, single submitter. Criteria: Ambry Variant Classification Scheme 2023. Collection method: clinical testing. Allele origin: germline.
Comment: The c.7609_7611delTCT variant (also known as p.S2537del) is located in coding exon 15 of the APC gene. This variant results from an in-frame TCT deletion at nucleotide positions 7609 to 7611. This results in the in-frame deletion of a serine at codon 2537. This amino acid position is well conserved in available vertebrate species. In addition, this alteration is predicted to be deleterious by in silico analysis (Choi Y et al. PLoS ONE. 2012; 7(10):e46688). Since supporting evidence is limited at this time, the clinical significance of this alteration remains unclear.

Color Diagnostics, LLC DBA Color Health
Classification: Uncertain significance for Hereditary cancer-predisposing syndrome. Last evaluated: 2019-01-07. Review status: criteria provided, single submitter. Criteria: ACMG Guidelines, 2015. Collection method: clinical testing. Allele origin: germline.

NM_000038.6(APC):c.7609_7611del (p.Ser2537del)

Gene: APC (APC regulator of Wnt signaling pathway; plus strand). Cytogenetic location: 5q22.2.
Variant type: Deletion.
Coding change: c.7609_7611del on transcript NM_000038.6 (MANE Select); coding-DNA positions 7609 to 7611, 3 bases deleted (TCT; older notation c.7609_7611delTCT).
Protein change: p.Ser2537del; deletes serine 2537.
Molecular consequence: inframe deletion.
Genome position (GRCh38, 1-based): chr5:112,843,203-112,843,205, TCT deleted; deleting any 3 consecutive bases within chr5:112,843,201-112,843,205 gives the same sequence; the c. name uses the placement nearest the transcript's 3' end. VCF-style (leftmost placement, unchanged base first): chr5-112843200-CCTT-C. GRCh37 (hg19) VCF-style: chr5-112178897-CCTT-C.
Other names: c.7609_7611del, p.Ser2537del (NM_001127510.3, NM_001354895.2); c.7555_7557del, p.Ser2519del (NM_001127511.3); c.7663_7665del, p.Ser2555del (NM_001354896.2); c.7639_7641del, p.Ser2547del (NM_001354897.2); c.7534_7536del, p.Ser2512del (NM_001354898.2); c.7525_7527del, p.Ser2509del (NM_001354899.2); c.7486_7488del, p.Ser2496del (NM_001354900.2); c.7432_7434del, p.Ser2478del (NM_001354901.2); and 6 more; short protein forms S2377del, S2496del, S2537del, S2478del, S2512del, S2254del, S2411del, S2446del.
Identifiers: ClinVar variation 848383 (VCV000848383.14), dbSNP rs773014860, ClinGen allele CA048681.